The following is an entry in ClinVar:

NM_032043.3(BRIP1):c.1034A>C (p.Lys345Thr)

Gene: BRIP1 (BRCA1 interacting DNA helicase 1; minus strand). Cytogenetic location: 17q23.2.
Variant type: single nucleotide variant.
Coding change: c.1034A>C on transcript NM_032043.3 (MANE Select); coding-DNA position 1034, A replaced by C.
Protein change: p.Lys345Thr; replaces lysine 345 with threonine.
Molecular consequence: missense variant.
Genome position (GRCh38, 1-based): chr17:61,801,359, T>G on the plus strand (A>C on the coding strand, the complement: BRIP1 is on the minus strand). VCF-style: chr17-61801359-T-G. GRCh37 (hg19) VCF-style: chr17-59878720-T-G.
Other names: c.1034A>C (NM_032043.2); short protein forms K345T.
Identifiers: ClinVar variation 1486873 (VCV001486873.9), dbSNP rs2077989830, ClinGen allele CA400484070.

ClinVar aggregate classification (germline): Uncertain significance. Review status: criteria provided, multiple submitters, no conflicts (2 of 4 stars). 3 submissions from 3 submitters: Uncertain significance (3). Last evaluated 2025-04-01.

Conditions:
Hereditary cancer-predisposing syndrome. Also called: Neoplastic Syndromes, Hereditary; Tumor predisposition; Hereditary neoplastic syndrome; Hereditary Cancer Syndrome. Identifiers: Orphanet 140162, MedGen C0027672, MeSH D009386, MONDO:0015356.
Fanconi anemia complementation group J. Also called: BRIP1-Related Fanconi Anemia. Identifiers: Orphanet 84, MedGen C1836860, MONDO:0012187, OMIM 609054.
Familial cancer of breast. Also called: BREAST CANCER, FAMILIAL; Hereditary breast cancer; hereditary breast carcinoma. Identifiers: Orphanet 227535, MedGen C0346153, MONDO:0016419, OMIM 114480. Disease mechanism: loss of function.

Submissions (3):

Ambry Genetics
Classification: Uncertain significance for Hereditary cancer-predisposing syndrome. Last evaluated: 2025-04-01. Review status: criteria provided, single submitter. Criteria: Ambry Variant Classification Scheme 2023. Collection method: clinical testing. Allele origin: germline.
Comment: The p.K345T variant (also known as c.1034A>C), located in coding exon 7 of the BRIP1 gene, results from an A to C substitution at nucleotide position 1034. The lysine at codon 345 is replaced by threonine, an amino acid with similar properties. This variant was identified in 1 of 7636 unselected prostate cancer patients and 0 of 12366 male controls of Japanese ancestry (Momozawa Y et al. J Natl Cancer Inst, 2020 Apr;112:369-376). This amino acid position is not well conserved in available vertebrate species. In addition, this alteration is predicted to be tolerated by in silico analysis. Based on the available evidence, the clinical significance of this variant remains unclear.

GeneDx
Classification: Uncertain significance. Last evaluated: 2023-12-28. Review status: criteria provided, single submitter. Criteria: GeneDx Variant Classification Process June 2021. Collection method: clinical testing. Allele origin: germline. Affected: yes.
Comment: Not observed at significant frequency in large population cohorts (gnomAD); In silico analysis supports that this missense variant has a deleterious effect on protein structure/function; Has not been previously published as pathogenic or benign to our knowledge; This variant is associated with the following publications: (PMID: 36243179)

Labcorp Genetics (formerly Invitae), Labcorp
Classification: Uncertain significance for Familial cancer of breast; Fanconi anemia complementation group J. Last evaluated: 2021-11-05. Review status: criteria provided, single submitter. Criteria: Invitae Variant Classification Sherloc (09022015). Collection method: clinical testing. Allele origin: germline.
Comment: In summary, the available evidence is currently insufficient to determine the role of this variant in disease. Therefore, it has been classified as a Variant of Uncertain Significance. Algorithms developed to predict the effect of missense changes on protein structure and function are either unavailable or do not agree on the potential impact of this missense change (SIFT: "Tolerated"; PolyPhen-2: "Possibly Damaging"; Align-GVGD: "Class C0"). This variant has not been reported in the literature in individuals affected with BRIP1-related conditions. This variant is not present in population databases (gnomAD no frequency). This sequence change replaces lysine, which is basic and polar, with threonine, which is neutral and polar, at codon 345 of the BRIP1 protein (p.Lys345Thr).

Literature cited by the submitters: PubMed 31214711 (cited by Ambry Genetics).